The following is an entry in ClinVar:

ClinVar aggregate classification (germline): Conflicting classifications of pathogenicity. Review status: criteria provided, conflicting classifications (1 of 4 stars). 4 submissions from 4 submitters: Uncertain significance (3); Likely benign (1). Last evaluated 2024-11-01.

Conditions:
ABCA12-related disorder. Also called: ABCA12-related condition.

Allele frequency attached by ClinVar (database versions not stated): gnomAD exomes 0.00008 and 0.00011; TOPMed 0.00008; gnomAD 0.00009; ExAC 0.00011; ESP Exome Variant Server 0.00023.
gnomAD v4.1: 132 of 1,614,044 alleles (0.0082%); highest among the groups gnomAD compares: Non-Finnish European, 0.011%; no homozygotes.

Submissions (4):

PreventionGenetics, part of Exact Sciences
Classification: Uncertain significance for ABCA12-related condition. Last evaluated: 2024-11-01. Review status: criteria provided, single submitter. Criteria: ACMG Guidelines, 2015. Collection method: clinical testing. Allele origin: germline.
Comment: The ABCA12 c.1446A>C variant is predicted to result in the amino acid substitution p.Glu482Asp. This variant has been observed alongside a nonsense variant in the unaffected mother of a baby affected with harlequin ichthyosis (Scott et al. 2013. PubMed ID: 22992804). However, further evidence of pathogenicity was not provided. This variant is reported in 0.022% of alleles in individuals of European (Non-Finnish) descent in gnomAD. At this time, the clinical significance of this variant is uncertain due to the absence of conclusive functional and genetic evidence.

Labcorp Genetics (formerly Invitae), Labcorp
Classification: Likely benign. Last evaluated: 2024-02-22. Review status: criteria provided, single submitter. Criteria: Invitae Variant Classification Sherloc (09022015). Collection method: clinical testing. Allele origin: germline.

GeneDx
Classification: Uncertain significance. Last evaluated: 2023-12-07. Review status: criteria provided, single submitter. Criteria: GeneDx Variant Classification Process June 2021. Collection method: clinical testing. Allele origin: germline. Affected: yes.
Comment: Although this variant was reported in the unaffected mother of an infant with harlequin ichthyosis, the proband's mother also harbored a nonsense variant in ABCA12 and a missense variant in NIPAL4 (PMID: 22992804); In silico analysis supports that this missense variant does not alter protein structure/function; This variant is associated with the following publications: (PMID: 22992804)

Women's Health and Genetics/Laboratory Corporation of America, LabCorp
Classification: Uncertain significance. Last evaluated: 2023-03-01. Review status: criteria provided, single submitter. Criteria: LabCorp Variant Classification Summary - May 2015. Collection method: clinical testing. Allele origin: germline.
Comment: Variant summary: ABCA12 c.1446A>C (p.Glu482Asp) results in a conservative amino acid change in the encoded protein sequence. Four of four in-silico tools predict a benign effect of the variant on protein function. The variant allele was found at a frequency of 0.00011 in 251190 control chromosomes. This frequency is not higher than estimated for a pathogenic variant in ABCA12 causing Lamellar Ichthyosis (0.00011 vs 0.00066), allowing no conclusion about variant significance. c.1446A>C has been reported in the literature in the unaffected mother of a baby with Harlequin Ichthyosis (Scott_2013). This report does not provide unequivocal conclusions about association of the variant with Lamellar Ichthyosis. To our knowledge, no experimental evidence demonstrating an impact on protein function has been reported. One clinical diagnostic laboratory has submitted clinical-significance assessments for this variant to ClinVar after 2014 and classified the variant as uncertain significance. Based on the evidence outlined above, the variant was classified as uncertain significance.

Literature cited by the submitters: PubMed 22992804 (cited by Women's Health and Genetics/Laboratory Corporation of America, LabCorp).

NM_173076.3(ABCA12):c.1446A>C (p.Glu482Asp)

Gene: ABCA12 (ATP binding cassette subfamily A member 12; minus strand). Cytogenetic location: 2q35.
Variant type: single nucleotide variant.
Coding change: c.1446A>C on transcript NM_173076.3 (MANE Select); coding-DNA position 1446, A replaced by C.
Protein change: p.Glu482Asp; replaces glutamic acid 482 with aspartic acid.
Molecular consequence: missense variant. On other transcripts: non-coding transcript variant (1).
Genome position (GRCh38, 1-based): chr2:215,019,638, T>G on the plus strand (A>C on the coding strand, the complement: ABCA12 is on the minus strand). VCF-style: chr2-215019638-T-G. GRCh37 (hg19) VCF-style: chr2-215884362-T-G.
Other names: c.492A>C, p.Glu164Asp (NM_015657.4); short protein forms E482D, E164D.
Identifiers: ClinVar variation 381634 (VCV000381634.8), dbSNP rs368135271, ClinGen allele CA2092230.
Genomic context (GRCh38, chr2:215,019,638, plus strand): 5'-CAGCAAATCTCTCACTTTTTTAGATATGACATTGTCATGGTACAGTAAGCTGGCTGCTAT[T>G]TCGGTGCCCAGCTCTGCCGCTTCGAGGAGTTGCAGATCAAACTCACTTTCTTCACACAGG-3'
Protein context (NP_775099.2, residues 472-492): QLLEAAELGT[Glu482Asp]IAASLLYHDN